The following is an entry in ClinVar:

ClinVar aggregate classification (germline): Uncertain significance. Review status: criteria provided, multiple submitters, no conflicts (2 of 4 stars). 4 submissions from 4 submitters: Uncertain significance (4). Last evaluated 2025-11-30.

Conditions:
Hereditary cancer-predisposing syndrome. Also called: Neoplastic Syndromes, Hereditary; Hereditary Cancer Syndrome; Tumor predisposition; Hereditary neoplastic syndrome. Identifiers: Orphanet 140162, MedGen C0027672, MeSH D009386, MONDO:0015356.
Familial cancer of breast. Also called: Hereditary breast cancer; BREAST CANCER, FAMILIAL; hereditary breast carcinoma. Identifiers: Orphanet 227535, MedGen C0346153, MONDO:0016419, OMIM 114480. Disease mechanism: loss of function.
Ataxia-telangiectasia syndrome (AT). Also called: LOUIS-BAR SYNDROME; Cerebello-oculocutaneous telangiectasia; Immunodeficiency with ataxia telangiectasia; Ataxia-telangiectasia, complementation group D; AT, COMPLEMENTATION GROUP C; Ataxia-telangiectasia, complementation group E. Identifiers: Orphanet 100, MedGen C0004135, MONDO:0008840, OMIM 208900.

Allele frequency attached by ClinVar (database versions not stated): TOPMed below 0.00001; gnomAD exomes below 0.00001.
gnomAD v4.1: 1 of 1,613,348 alleles (0.000062%); highest among the groups gnomAD compares: Non-Finnish European, 0.000085%; no homozygotes.

Submissions (4):

Labcorp Genetics (formerly Invitae), Labcorp
Classification: Uncertain significance for Ataxia-telangiectasia syndrome. Last evaluated: 2025-11-30. Review status: criteria provided, single submitter. Criteria: Invitae Variant Classification Sherloc (09022015). Collection method: clinical testing. Allele origin: germline.
Comment: This sequence change replaces histidine, which is basic and polar, with glutamine, which is neutral and polar, at codon 2430 of the ATM protein (p.His2430Gln). This variant is present in population databases (no rsID available, gnomAD 0.0009%). This variant has not been reported in the literature in individuals affected with ATM-related conditions. ClinVar contains an entry for this variant (Variation ID: 489587). Invitae Evidence Modeling of protein sequence and biophysical properties (such as structural, functional, and spatial information, amino acid conservation, physicochemical variation, residue mobility, and thermodynamic stability) indicates that this missense variant is not expected to disrupt ATM protein function with a negative predictive value of 95%. In summary, the available evidence is currently insufficient to determine the role of this variant in disease. Therefore, it has been classified as a Variant of Uncertain Significance.

Ambry Genetics
Classification: Uncertain significance for Hereditary cancer-predisposing syndrome. Last evaluated: 2025-06-01. Review status: criteria provided, single submitter. Criteria: Ambry Variant Classification Scheme 2023. Collection method: clinical testing. Allele origin: germline.
Comment: The p.H2430Q variant (also known as c.7290T>G), located in coding exon 48 of the ATM gene, results from a T to G substitution at nucleotide position 7290. The histidine at codon 2430 is replaced by glutamine, an amino acid with highly similar properties. This amino acid position is well conserved in available vertebrate species. In addition, this alteration is predicted to be tolerated by in silico analysis. Since supporting evidence is limited at this time, the clinical significance of this alteration remains unclear.

Fulgent Genetics
Classification: Uncertain significance for Familial cancer of breast; Ataxia-telangiectasia syndrome. Last evaluated: 2024-05-30. Review status: criteria provided, single submitter. Criteria: ACMG Guidelines, 2015. Collection method: clinical testing. Allele origin: germline.

Color Diagnostics, LLC DBA Color Health
Classification: Uncertain significance for Hereditary cancer-predisposing syndrome. Last evaluated: 2024-05-23. Review status: criteria provided, single submitter. Criteria: ACMG Guidelines, 2015. Collection method: clinical testing. Allele origin: germline.
Comment: This missense variant replaces histidine with glutamine at codon 2430 of the ATM protein. Computational prediction suggests that this variant may not impact protein structure and function. To our knowledge, functional studies have not been reported for this variant. This variant has not been reported in individuals affected with hereditary cancer in the literature. This variant has been identified in 1/250316 chromosomes in the general population by the Genome Aggregation Database (gnomAD). The available evidence is insufficient to determine the role of this variant in disease conclusively. Therefore, this variant is classified as a Variant of Uncertain Significance.

NM_000051.4(ATM):c.7290T>G (p.His2430Gln)

Genes: C11orf65 (chromosome 11 open reading frame 65; minus strand), ATM (ATM serine/threonine kinase; plus strand). Cytogenetic location: 11q22.3.
Variant type: single nucleotide variant.
Coding change: c.7290T>G on transcript NM_000051.4 (MANE Select); coding-DNA position 7290, T replaced by G.
Protein change: p.His2430Gln; replaces histidine 2430 with glutamine.
Molecular consequence: missense variant. On other transcripts: intron variant (2).
Genome position (GRCh38, 1-based): chr11:108,329,221, T>G. VCF-style: chr11-108329221-T-G. GRCh37 (hg19) VCF-style: chr11-108199948-T-G.
Other names: c.7290T>G, p.His2430Gln (NM_001351834.2); c.641-20150A>C (NM_001330368.2); c.*38+5999A>C (NM_001351110.2); short protein forms H2430Q.
Identifiers: ClinVar variation 489587 (VCV000489587.21), dbSNP rs876658715, ClinGen allele CA382559807.